The following is an entry in ClinVar:

ClinVar aggregate classification (germline): Conflicting classifications of pathogenicity. Review status: criteria provided, conflicting classifications (1 of 4 stars). 2 submissions from 2 submitters: Uncertain significance (1); Likely benign (1). Last evaluated 2024-12-17.

Conditions:
TENM4-related disorder. Also called: TENM4-related condition.

gnomAD v4.1: 430 of 1,613,776 alleles (0.027%); highest among the groups gnomAD compares: Admixed American, 0.065%; 1 homozygote.

Submissions (2):

Mayo Clinic Laboratories, Mayo Clinic
Classification: Uncertain significance. Last evaluated: 2024-12-17. Review status: criteria provided, single submitter. Criteria: ACMG Guidelines, 2015. Collection method: clinical testing. Allele origin: germline. Observed: 1 variant allele.
Comment: BP4_moderate

PreventionGenetics, part of Exact Sciences
Classification: Likely benign for TENM4-related condition. Last evaluated: 2024-11-25. Review status: criteria provided, single submitter. Criteria: ACMG Guidelines, 2015. Collection method: clinical testing. Allele origin: germline.
Comment: This variant is classified as likely benign based on ACMG/AMP sequence variant interpretation guidelines (Richards et al. 2015 PMID: 25741868, with internal and published modifications).

NM_001098816.3(TENM4):c.7300G>A (p.Glu2434Lys)

Gene: TENM4 (teneurin transmembrane protein 4; minus strand). Cytogenetic location: 11q14.1.
Variant type: single nucleotide variant.
Coding change: c.7300G>A on transcript NM_001098816.3 (MANE Select); coding-DNA position 7300, G replaced by A.
Protein change: p.Glu2434Lys; replaces glutamic acid 2434 with lysine.
Molecular consequence: missense variant.
Genome position (GRCh38, 1-based): chr11:78,669,045, C>T on the plus strand (G>A on the coding strand, the complement: TENM4 is on the minus strand). VCF-style: chr11-78669045-C-T. GRCh37 (hg19) VCF-style: chr11-78380090-C-T.
Other names: p.Glu2434Lys; c.7300G>A (NM_001098816.2); short protein forms E2434K.
Identifiers: ClinVar variation 4541653 (VCV004541653.2).
Genomic context (GRCh38, chr11:78,669,045, plus strand): 5'-TTTTGAACATATAGAGATTAAAAGGCATGACGTTGCTGCTACTAAGGTGCTTCCACAGCT[C>T]GTGGTCTGGGCTAGTCCAGCGTCCGGCCAGCACATCATAATCTCGCCGGCCCATGTGGAC-3'
Protein context (NP_001092286.2, residues 2424-2444): LAGRWTSPDH[Glu2434Lys]LWKHLSSSNV